The following is an entry in ClinVar:

NM_001164496.2(CFAP44):c.1426G>A (p.Val476Met)

Genes: CFAP44 (cilia and flagella associated protein 44; minus strand), SPICE1-CFAP44 (SPICE1-CFAP44 readthrough (NMD candidate); minus strand). Cytogenetic location: 3q13.2.
Variant type: single nucleotide variant.
Coding change: c.1426G>A on transcript NM_001164496.2 (MANE Select); coding-DNA position 1426, G replaced by A.
Protein change: p.Val476Met; replaces valine 476 with methionine.
Molecular consequence: missense variant.
Genome position (GRCh38, 1-based): chr3:113,400,593, C>T on the plus strand (G>A on the coding strand, the complement: CFAP44 is on the minus strand). VCF-style: chr3-113400593-C-T. GRCh37 (hg19) VCF-style: chr3-113119440-C-T.
Other names: c.1426G>A, p.Val476Met (NM_018338.3); short protein forms V476M.
Identifiers: ClinVar variation 710199 (VCV000710199.7), dbSNP rs140356033, ClinGen allele CA2544185.

ClinVar aggregate classification (germline): Likely benign. Review status: criteria provided, multiple submitters, no conflicts (2 of 4 stars). 3 submissions from 3 submitters: Likely benign (2). 1 of the submissions does not count toward it. Last evaluated 2019-12-31.

Conditions:
CFAP44-related disorder. Also called: CFAP44-related condition.

Allele frequency attached by ClinVar (database versions not stated): 1000 Genomes Project 30x 0.00094; 1000 Genomes Project 0.00100; TOPMed 0.00258; gnomAD 0.00270 and 0.00276; gnomAD exomes 0.00305 and 0.00457; ExAC 0.00322; ESP Exome Variant Server 0.00354.
gnomAD v4.1: 7,023 of 1,610,688 alleles (0.44%); highest among the groups gnomAD compares: Non-Finnish European, 0.54%; 24 homozygotes.

Submissions (3):

Labcorp Genetics (formerly Invitae), Labcorp
Classification: Likely benign. Last evaluated: 2019-12-31. Review status: criteria provided, single submitter. Criteria: Invitae Variant Classification Sherloc (09022015). Collection method: clinical testing. Allele origin: germline.

Breakthrough Genomics
Classification: Likely benign. Review status: criteria provided, single submitter. Criteria: ACMG Guidelines, 2015. Collection method: not provided. Allele origin: germline. Inheritance: Autosomal recessive inheritance. Affected: yes.

PreventionGenetics, part of Exact Sciences
Classification: Likely benign for CFAP44-related condition. Last evaluated: 2020-02-05. Review status: no assertion criteria provided. Collection method: clinical testing. Allele origin: germline. Not counted in ClinVar's aggregate classification.
Comment: This variant is classified as likely benign based on ACMG/AMP sequence variant interpretation guidelines (Richards et al. 2015 PMID: 25741868, with internal and published modifications).